The following is an entry in ClinVar:

NM_000179.3(MSH6):c.1234A>T (p.Lys412Ter)

Gene: MSH6 (mutS homolog 6; plus strand). Cytogenetic location: 2p16.3.
Variant type: single nucleotide variant.
Coding change: c.1234A>T on transcript NM_000179.3 (MANE Select); coding-DNA position 1234, A replaced by T.
Protein change: p.Lys412Ter; replaces lysine 412 with a stop codon.
Molecular consequence: nonsense.
Genome position (GRCh38, 1-based): chr2:47,799,217, A>T. VCF-style: chr2-47799217-A-T. GRCh37 (hg19) VCF-style: chr2-48026356-A-T.
Other names: c.844A>T, p.Lys282Ter (NM_001281492.2); c.328A>T, p.Lys110Ter (NM_001281493.2, NM_001281494.2, NM_001406811.1 and 6 more transcripts); c.1330A>T, p.Lys444Ter (NM_001406795.1, NM_001406802.1); c.1234A>T, p.Lys412Ter (NM_001406796.1, NM_001406798.1, NM_001406800.1 and 4 more transcripts); c.937A>T, p.Lys313Ter (NM_001406797.1, NM_001406801.1, NM_001406805.1 and 10 more transcripts); c.709A>T, p.Lys237Ter (NM_001406799.1, NM_001406806.1, NM_001406807.1); c.1156A>T, p.Lys386Ter (NM_001406804.1); c.1240A>T, p.Lys414Ter (NM_001406813.1); and 1 more; short protein forms K282*, K313*, K356*, K412*, K110*, K386*, K237*, K444*.
Identifiers: ClinVar variation 1756393 (VCV001756393.3), dbSNP rs1669310607, ClinGen allele CA346743682.
Genomic context (GRCh38, chr2:47,799,217, plus strand): 5'-GATGCATCTACACTCTATGTGCCTGAGGATTTCCTCAATTCTTGTACTCCTGGGATGAGG[A>T]AGTGGTGGCAGATTAAGTCTCAGAACTTTGATCTTGTCATCTGTTACAAGGTGGGGAAAT-3'

ClinVar aggregate classification (germline): Pathogenic. Review status: criteria provided, multiple submitters, no conflicts (2 of 4 stars). 2 submissions from 2 submitters: Pathogenic (2). Last evaluated 2023-08-11.

Conditions:
Hereditary cancer-predisposing syndrome. Also called: Neoplastic Syndromes, Hereditary; Tumor predisposition; Hereditary Cancer Syndrome; Hereditary neoplastic syndrome. Identifiers: Orphanet 140162, MedGen C0027672, MeSH D009386, MONDO:0015356.
Lynch syndrome 5 (LYNCH5). Also called: Hereditary non-polyposis colorectal cancer, type 5; Colorectal cancer, hereditary nonpolyposis, type 5. Identifiers: Orphanet 144, MedGen C1833477, MONDO:0013710, OMIM 614350. Disease mechanism: loss of function.

Submissions (2):

Myriad Genetics, Inc.
Classification: Pathogenic for Lynch syndrome 5. Last evaluated: 2023-08-11. Review status: criteria provided, single submitter. Criteria: Myriad Autosomal Dominant, Autosomal Recessive and X-Linked Classification Criteria (2023). Collection method: clinical testing. Allele origin: unknown.
Comment: This variant is considered pathogenic. This variant creates a termination codon and is predicted to result in premature protein truncation.

Ambry Genetics
Classification: Pathogenic for Hereditary cancer-predisposing syndrome. Last evaluated: 2020-01-09. Review status: criteria provided, single submitter. Criteria: Ambry Variant Classification Scheme 2023. Collection method: clinical testing. Allele origin: germline.
Comment: The p.K412* pathogenic mutation (also known as c.1234A>T), located in coding exon 4 of the MSH6 gene, results from an A to T substitution at nucleotide position 1234. This changes the amino acid from a lysine to a stop codon within coding exon 4. This alteration is expected to result in loss of function by premature protein truncation or nonsense-mediated mRNA decay. As such, this alteration is interpreted as a disease-causing mutation.